The following is an entry in ClinVar:

ClinVar aggregate classification (germline): Uncertain significance (1 of 4 stars; one submission).

gnomAD v4.1: 18 of 1,613,706 alleles (0.0011%); highest among the groups gnomAD compares: South Asian, 0.018%; no homozygotes.

Submission:

GeneDx
Classification: Uncertain significance. Last evaluated: 2022-11-22. Review status: criteria provided, single submitter. Criteria: GeneDx Variant Classification Process June 2021. Collection method: clinical testing. Allele origin: germline. Affected: yes.
Comment: In silico analysis supports that this missense variant does not alter protein structure/function; Has not been previously published as pathogenic or benign to our knowledge

NM_024577.4(SH3TC2):c.1311C>A (p.Asp437Glu)

Gene: SH3TC2 (SH3 domain and tetratricopeptide repeats 2; minus strand). Cytogenetic location: 5q32.
Variant type: single nucleotide variant.
Coding change: c.1311C>A on transcript NM_024577.4 (MANE Select); coding-DNA position 1311, C replaced by A.
Protein change: p.Asp437Glu; replaces aspartic acid 437 with glutamic acid.
Molecular consequence: missense variant.
Genome position (GRCh38, 1-based): chr5:149,028,421, G>T on the plus strand (C>A on the coding strand, the complement: SH3TC2 is on the minus strand). VCF-style: chr5-149028421-G-T. GRCh37 (hg19) VCF-style: chr5-148407984-G-T.
Other names: short protein forms D437E.
Identifiers: ClinVar variation 2502620 (VCV002502620.1), dbSNP rs749587305, ClinGen allele CA3499203.